The following is an entry in ClinVar:

NM_001204.7(BMPR2):c.295T>C (p.Cys99Arg)

Gene: BMPR2 (bone morphogenetic protein receptor type 2; plus strand). Cytogenetic location: 2q33.1.
Variant type: single nucleotide variant.
Coding change: c.295T>C on transcript NM_001204.7 (MANE Select); coding-DNA position 295, T replaced by C.
Protein change: p.Cys99Arg; replaces cysteine 99 with arginine.
Molecular consequence: missense variant.
Genome position (GRCh38, 1-based): chr2:202,467,566, T>C. VCF-style: chr2-202467566-T-C. GRCh37 (hg19) VCF-style: chr2-203332289-T-C.
Other names: p.C99R:TGT>CGT; c.295T>C, p.C99R (LRG_712t1); short protein forms C99R.
Identifiers: ClinVar variation 212816 (VCV000212816.9), dbSNP rs863223425, ClinGen allele CA320754.
Genomic context (GRCh38, chr2:202,467,566, plus strand): 5'-TATTGATTTATAGGATGTTGGTCTCACATTGGAGATCCCCAAGAGTGTCACTATGAAGAA[T>C]GTGTAGTAACTACCACTCCTCCCTCAATTCAGAATGGAACATACCGTTTCTGCTGTTGTA-3'
Protein context (NP_001195.2, residues 89-109): GDPQECHYEE[Cys99Arg]VVTTTPPSIQ

ClinVar aggregate classification (germline): Conflicting classifications of pathogenicity. Review status: criteria provided, conflicting classifications (1 of 4 stars). 4 submissions from 4 submitters: Pathogenic (1); Uncertain significance (1). 2 of the submissions do not count toward it. Last evaluated 2024-10-01.

Conditions:
Idiopathic and/or familial pulmonary arterial hypertension. Identifiers: Orphanet 422, MedGen C5679820, MONDO:0008347.
Pulmonary arterial hypertension. Identifiers: Orphanet 182090, MedGen C2973725, MeSH D000081029, MONDO:0015924, HP:0002092.
Primary pulmonary hypertension. Also called: Idiopathic pulmonary hypertension. Identifiers: MedGen C0152171.
Pulmonary hypertension, primary, 1 (PPH1). Also called: Pulmonary hypertension, familial primary, 1, with or without HHT. Identifiers: Orphanet 422, MedGen C4552070, MONDO:0024533, OMIM 178600.

Allele frequency attached by ClinVar (database versions not stated): gnomAD 0.00001.
gnomAD v4.1: 1 of 1,572,722 alleles (0.000064%); highest among the groups gnomAD compares: Non-Finnish European, 0.000088%; no homozygotes.

Submissions (4):

GeneDx
Classification: Uncertain significance. Last evaluated: 2024-10-01. Review status: criteria provided, single submitter. Criteria: GeneDx Variant Classification Process June 2021. Collection method: clinical testing. Allele origin: germline. Affected: yes.
Comment: Not observed at significant frequency in large population cohorts (gnomAD); In silico analysis supports that this missense variant has a deleterious effect on protein structure/function; This variant is associated with the following publications: (PMID: 31727138, 16429395, 29631995, 19555857)

Labcorp Genetics (formerly Invitae), Labcorp
Classification: Pathogenic for Primary pulmonary hypertension. Last evaluated: 2022-12-21. Review status: criteria provided, single submitter. Criteria: Invitae Variant Classification Sherloc (09022015). Collection method: clinical testing. Allele origin: germline.
Comment: This sequence change replaces cysteine, which is neutral and slightly polar, with arginine, which is basic and polar, at codon 99 of the BMPR2 protein (p.Cys99Arg). This variant is not present in population databases (gnomAD no frequency). This missense change has been observed in individuals with pulmonary arterial hypertension (PMID: 16429395, 19555857; Invitae). ClinVar contains an entry for this variant (Variation ID: 212816). Advanced modeling of protein sequence and biophysical properties (such as structural, functional, and spatial information, amino acid conservation, physicochemical variation, residue mobility, and thermodynamic stability) performed at Invitae indicates that this missense variant is expected to disrupt BMPR2 protein function. This variant disrupts the p.Cys99 amino acid residue in BMPR2. Other variant(s) that disrupt this residue have been determined to be pathogenic (PMID: 19555857, 30578397; Invitae). This suggests that this residue is clinically significant, and that variants that disrupt this residue are likely to be disease-causing. For these reasons, this variant has been classified as Pathogenic.

Rare Disease Genomics Group, St George's University of London
Classification: Pathogenic for Primary pulmonary hypertension. Review status: no assertion criteria provided. Collection method: literature only. Allele origin: germline. Affected: yes. Not counted in ClinVar's aggregate classification.

Wendy Chung Laboratory, Boston Children's Hospital
No classification provided. Condition: Idiopathic and/or familial pulmonary arterial hypertension. Review status: no classification provided. Collection method: literature only. Allele origin: germline. Affected: yes. Not counted in ClinVar's aggregate classification.

Literature cited by the submitters: PubMed 16429395 (cited by Labcorp Genetics (formerly Invitae), Labcorp and Rare Disease Genomics Group, St George's University of London); PubMed 19555857 (cited by Labcorp Genetics (formerly Invitae), Labcorp and Rare Disease Genomics Group, St George's University of London); PubMed 30578397 (cited by Labcorp Genetics (formerly Invitae), Labcorp); PubMed 16717148 (cited by Rare Disease Genomics Group, St George's University of London); PubMed 31727138 (cited by Wendy Chung Laboratory, Boston Children's Hospital).